The following is an entry in ClinVar:

NM_020778.5(ALPK3):c.1917G>A (p.Thr639=)

Gene: ALPK3 (alpha kinase 3; plus strand). Cytogenetic location: 15q25.3.
Variant type: single nucleotide variant.
Coding change: c.1917G>A on transcript NM_020778.5 (MANE Select); coding-DNA position 1917, G replaced by A.
Protein change: p.Thr639=; no amino-acid change (threonine 639 retained).
Molecular consequence: synonymous variant.
Genome position (GRCh38, 1-based): chr15:84,856,655, G>A. VCF-style: chr15-84856655-G-A. GRCh37 (hg19) VCF-style: chr15-85399886-G-A.
Identifiers: ClinVar variation 1566262 (VCV001566262.12), dbSNP rs141003674, ClinGen allele CA7709316.

ClinVar aggregate classification (germline): Likely benign. Review status: criteria provided, multiple submitters, no conflicts (2 of 4 stars). 4 submissions from 4 submitters: Likely benign (4). Last evaluated 2026-06-09.

Conditions:
ALPK3-related disorder. Also called: ALPK3-related condition.
Cardiovascular phenotype. Identifiers: MedGen CN230736.

Allele frequency attached by ClinVar (database versions not stated): ExAC 0.00001; gnomAD exomes 0.00001; gnomAD 0.00003 and 0.00004; TOPMed 0.00004; ESP Exome Variant Server 0.00008.

Submissions (4):

PreventionGenetics, part of Exact Sciences
Classification: Likely benign for ALPK3-related condition. Last evaluated: 2026-06-09. Review status: criteria provided, single submitter. Criteria: ACMG Guidelines, 2015. Collection method: clinical testing. Allele origin: germline.
Comment: This variant is classified as likely benign based on ACMG/AMP sequence variant interpretation guidelines (Richards et al. 2015 PMID: 25741868, with internal and published modifications).

Labcorp Genetics (formerly Invitae), Labcorp
Classification: Likely benign. Last evaluated: 2025-12-16. Review status: criteria provided, single submitter. Criteria: Invitae Variant Classification Sherloc (09022015). Collection method: clinical testing. Allele origin: germline.

Blueprint Genetics
Classification: Likely benign. Last evaluated: 2022-11-30. Review status: criteria provided, single submitter. Criteria: ACMG Guidelines, 2015. Collection method: clinical testing. Allele origin: germline.

Ambry Genetics
Classification: Likely benign for Cardiovascular phenotype. Last evaluated: 2022-05-27. Review status: criteria provided, single submitter. Criteria: Ambry Variant Classification Scheme 2023. Collection method: clinical testing. Allele origin: germline.